The following is an entry in ClinVar:

ClinVar aggregate classification (germline): Benign/Likely benign. Review status: criteria provided, multiple submitters, no conflicts (2 of 4 stars). 5 submissions from 5 submitters: Benign (1); Likely benign (4). Last evaluated 2026-01-24.

Conditions:
Mitochondrial complex IV deficiency, nuclear type 7. Also called: Mitochondrial complex 4 deficiency, nuclear type 7. Identifiers: MedGen C5436685, MONDO:0033637, OMIM 619051.

Allele frequency attached by ClinVar (database versions not stated): 1000 Genomes Project 30x 0.00016; 1000 Genomes Project 0.00020; gnomAD 0.00049 and 0.00056; TOPMed 0.00070; ExAC 0.00077; gnomAD exomes 0.00081 and 0.00082; ESP Exome Variant Server 0.00146.
gnomAD v4.1: 1,285 of 1,611,266 alleles (0.08%); highest among the groups gnomAD compares: Middle Eastern, 1.5%; 3 homozygotes.

Submissions (5):

Labcorp Genetics (formerly Invitae), Labcorp
Classification: Benign. Last evaluated: 2026-01-24. Review status: criteria provided, single submitter. Criteria: Invitae Variant Classification Sherloc (09022015). Collection method: clinical testing. Allele origin: germline.

Blueprint Genetics
Classification: Likely benign. Last evaluated: 2024-11-25. Review status: criteria provided, single submitter. Criteria: ACMG Guidelines, 2015. Collection method: clinical testing. Allele origin: germline.

Fulgent Genetics
Classification: Likely benign for Mitochondrial complex IV deficiency, nuclear type 7. Last evaluated: 2021-09-28. Review status: criteria provided, single submitter. Criteria: ACMG Guidelines, 2015. Collection method: clinical testing. Allele origin: unknown.

GeneDx
Classification: Likely benign. Last evaluated: 2017-08-22. Review status: criteria provided, single submitter. Criteria: GeneDx Variant Classification (06012015). Collection method: clinical testing. Allele origin: germline. Affected: yes.
Comment: This variant is considered likely benign or benign based on one or more of the following criteria: it is a conservative change, it occurs at a poorly conserved position in the protein, it is predicted to be benign by multiple in silico algorithms, and/or has population frequency not consistent with disease.

Breakthrough Genomics
Classification: Likely benign. Review status: criteria provided, single submitter. Criteria: ACMG Guidelines, 2015. Collection method: not provided. Allele origin: germline. Inheritance: Autosomal recessive inheritance. Affected: yes.

NM_001863.5(COX6B1):c.107-16A>G

Gene: COX6B1 (cytochrome c oxidase subunit 6B1; plus strand). Cytogenetic location: 19q13.12.
Variant type: single nucleotide variant.
Coding change: c.107-16A>G on transcript NM_001863.5 (MANE Select); 16 bases into the intron before coding-DNA position 107, A replaced by G.
Molecular consequence: intron variant.
Genome position (GRCh38, 1-based): chr19:35,654,555, A>G. VCF-style: chr19-35654555-A-G. GRCh37 (hg19) VCF-style: chr19-36145457-A-G.
Other names: c.107-16A>G (LRG_1246t1).
Identifiers: ClinVar variation 377750 (VCV000377750.12), dbSNP rs187740487, ClinGen allele CA9383144.